The following is an entry in ClinVar:

NM_001080413.3(NOBOX):c.210+11C>T

Gene: NOBOX (NOBOX oogenesis homeobox; minus strand). Cytogenetic location: 7q35.
Variant type: single nucleotide variant.
Coding change: c.210+11C>T on transcript NM_001080413.3; 11 bases into the intron after coding-DNA position 210, C replaced by T.
Genome position (GRCh38, 1-based): chr7:144,404,545, G>A on the plus strand (C>T on the coding strand, the complement: NOBOX is on the minus strand). VCF-style: chr7-144404545-G-A. GRCh37 (hg19) VCF-style: chr7-144101638-G-A.
Other names: NM_001080413.3:c.210+11C>T.
Identifiers: ClinVar variation 908329 (VCV000908329.4), dbSNP rs367904214, ClinGen allele CA4544916.

ClinVar aggregate classification (germline): Likely benign (1 of 4 stars; one submission).

Conditions:
Premature ovarian failure 5 (POF5). Identifiers: MedGen C1969060, MONDO:0012689, OMIM 611548.

Allele frequency attached by ClinVar (database versions not stated): ESP Exome Variant Server 0.00050; gnomAD 0.00056 and 0.00061; 1000 Genomes Project 0.00060; gnomAD exomes 0.00015 and 0.00006; ExAC 0.00019; 1000 Genomes Project 30x 0.00078; TOPMed 0.00057.
gnomAD v4.1: 181 of 1,609,926 alleles (0.011%); highest among the groups gnomAD compares: African/African-American, 0.23%; no homozygotes.

Submission:

Illumina Laboratory Services, Illumina
Classification: Likely benign for Premature ovarian failure 5. Last evaluated: 2018-01-12. Review status: criteria provided, single submitter. Criteria: ICSL Variant Classification Criteria 13 December 2019. Collection method: clinical testing. Allele origin: germline.
Comment: This variant was observed in the ICSL laboratory as part of a predisposition screen in an ostensibly healthy population. It had not been previously curated by ICSL or reported in the Human Gene Mutation Database (HGMD: prior to June 1st, 2018), and was therefore a candidate for classification through an automated scoring system. Utilizing variant allele frequency, disease prevalence and penetrance estimates, and inheritance mode, an automated score was calculated to assess if this variant is too frequent to cause the disease. Based on the score and internal cut-off values, a variant classified as likely benign is not then subjected to further curation. The score for this variant resulted in a classification of likely benign for this disease.